The following is an entry in ClinVar:

NM_001698.3(AUH):c.158G>T (p.Gly53Val)

Genes: AUH (AU RNA binding methylglutaconyl-CoA hydratase; minus strand), LOC130002059 (ATAC-STARR-seq lymphoblastoid silent region 20025; plus strand). Cytogenetic location: 9q22.31.
Variant type: single nucleotide variant.
Coding change: c.158G>T on transcript NM_001698.3 (MANE Select); coding-DNA position 158, G replaced by T.
Protein change: p.Gly53Val; replaces glycine 53 with valine.
Molecular consequence: missense variant. On other transcripts: 5 prime UTR variant (3).
Genome position (GRCh38, 1-based): chr9:91,361,732, C>A on the plus strand (G>T on the coding strand, the complement: AUH is on the minus strand). VCF-style: chr9-91361732-C-A. GRCh37 (hg19) VCF-style: chr9-94124014-C-A.
Other names: p.Gly53Val; c.158G>T (NM_001698.2); c.158G>T, p.Gly53Val (NM_001306190.2); c.-240G>T (NM_001351431.2, NM_001351433.2); c.-332G>T (NM_001351432.2); short protein forms G53V.
Identifiers: ClinVar variation 1352023 (VCV001352023.10), dbSNP rs747819278, ClinGen allele CA5119950.

ClinVar aggregate classification (germline): Uncertain significance. Review status: criteria provided, multiple submitters, no conflicts (2 of 4 stars). 4 submissions from 4 submitters: Uncertain significance (4). Last evaluated 2025-09-22.

Conditions:
3-methylglutaconic aciduria type 1 (MGCA1). Identifiers: Orphanet 67046, MedGen C0342727, MONDO:0009610, OMIM 250950.
Inborn genetic diseases. Identifiers: MedGen C0950123, MeSH D030342.

Allele frequency attached by ClinVar (database versions not stated): gnomAD exomes 0.00001; TOPMed 0.00004; gnomAD 0.00005.
gnomAD v4.1: 38 of 1,548,102 alleles (0.0025%); highest among the groups gnomAD compares: Non-Finnish European, 0.0029%; no homozygotes.

Submissions (4):

Mayo Clinic Laboratories, Mayo Clinic
Classification: Uncertain significance. Last evaluated: 2025-09-22. Review status: criteria provided, single submitter. Criteria: ACMG Guidelines, 2015. Collection method: clinical testing. Allele origin: germline. Observed: 1 variant allele.
Comment: BP4_moderate, PM2_supporting

Ambry Genetics
Classification: Uncertain significance for Inborn genetic diseases. Last evaluated: 2024-08-27. Review status: criteria provided, single submitter. Criteria: Ambry Variant Classification Scheme 2023. Collection method: clinical testing. Allele origin: germline.

Labcorp Genetics (formerly Invitae), Labcorp
Classification: Uncertain significance for 3-methylglutaconic aciduria type 1. Last evaluated: 2022-05-12. Review status: criteria provided, single submitter. Criteria: Invitae Variant Classification Sherloc (09022015). Collection method: clinical testing. Allele origin: germline.
Comment: This sequence change replaces glycine, which is neutral and non-polar, with valine, which is neutral and non-polar, at codon 53 of the AUH protein (p.Gly53Val). The frequency data for this variant in the population databases is considered unreliable, as metrics indicate poor data quality at this position in the gnomAD database. This variant has not been reported in the literature in individuals affected with AUH-related conditions. Algorithms developed to predict the effect of missense changes on protein structure and function (SIFT, PolyPhen-2, Align-GVGD) all suggest that this variant is likely to be tolerated. Algorithms developed to predict the effect of sequence changes on RNA splicing suggest that this variant may create or strengthen a splice site. In summary, the available evidence is currently insufficient to determine the role of this variant in disease. Therefore, it has been classified as a Variant of Uncertain Significance.

Revvity Omics, Revvity
Classification: Uncertain significance for 3-methylglutaconic aciduria type 1. Last evaluated: 2019-09-23. Review status: criteria provided, single submitter. Criteria: ACMG Guidelines, 2015. Collection method: clinical testing. Allele origin: germline.